The following is an entry in ClinVar:

ClinVar aggregate classification (germline): Uncertain significance. Review status: reviewed by expert panel (3 of 4 stars). 5 submissions from 5 submitters: Uncertain significance (1). 4 of the submissions do not count toward it. Last evaluated 2025-02-24.

Conditions:
Hereditary thrombocytopenia and hematologic cancer predisposition syndrome. Identifiers: Orphanet 71290, MedGen CN281654, MONDO:0011071.
Inborn genetic diseases. Identifiers: MedGen C0950123, MeSH D030342.
Hereditary thrombocytopenia and hematological cancer predisposition syndrome associated with RUNX1. Also called: PLATELET DISORDER, ASPIRIN-LIKE; RUNX1 Familial Platelet Disorder with Associated Myeloid Malignancies; Familial Platelet Disorder with Propensity to Acute Myelogenous Leukemia; Familial thrombocytopenia with propensity to acute myelogenous leukemia. Identifiers: Orphanet 71290, MedGen C1832388, MeSH C563324, MONDO:0100083, OMIM 601399.

Allele frequency attached by ClinVar (database versions not stated): gnomAD exomes 0.00001.
gnomAD v4.1: 7 of 1,610,714 alleles (0.00043%); highest among the groups gnomAD compares: Non-Finnish European, 0.00059%; no homozygotes.

Submissions (5):

ClinGen Myeloid Malignancy Variant Curation Expert Panel
Classification: Uncertain significance for Hereditary thrombocytopenia and hematologic cancer predisposition syndrome. Last evaluated: 2025-02-24. Review status: reviewed by expert panel. Criteria: ClinGen MyeloMalig ACMG Specifications v2. Collection method: curation. Allele origin: germline. Inheritance: Autosomal dominant inheritance.
Comment: NM_001754.5(RUNX1):c.736A>G (p.Thr246Ala) is a missense variant which has a REVEL score <0.50 (0.165) (BP4). In summary, the clinical significance of this variant is uncertain. ACMG/AMP criteria applied, as specified by the Myeloid Malignancy Variant Curation Expert Panel for RUNX1: PM2_supporting, BP4.

Ambry Genetics
Classification: Uncertain significance for Inborn genetic diseases. Last evaluated: 2025-05-01. Review status: criteria provided, single submitter. Criteria: Ambry Variant Classification Scheme 2023. Collection method: clinical testing. Allele origin: germline. Not counted in ClinVar's aggregate classification.
Comment: The p.T246A variant (also known as c.736A>G), located in coding exon 6 of the RUNX1 gene, results from an A to G substitution at nucleotide position 736. The threonine at codon 246 is replaced by alanine, an amino acid with similar properties. This amino acid position is well conserved in available vertebrate species. In addition, the in silico prediction for this alteration is inconclusive. Based on the available evidence, the clinical significance of this variant remains unclear.

GeneDx
Classification: Uncertain significance. Last evaluated: 2024-09-03. Review status: criteria provided, single submitter. Criteria: GeneDx Variant Classification Process June 2021. Collection method: clinical testing. Allele origin: germline. Affected: yes. Not counted in ClinVar's aggregate classification.
Comment: Not observed at significant frequency in large population cohorts (gnomAD); In silico analysis indicates that this missense variant does not alter protein structure/function; Has not been previously published as pathogenic or benign to our knowledge

Labcorp Genetics (formerly Invitae), Labcorp
Classification: Uncertain significance for Hereditary thrombocytopenia and hematological cancer predisposition syndrome associated with RUNX1. Last evaluated: 2024-04-23. Review status: criteria provided, single submitter. Criteria: Invitae Variant Classification Sherloc (09022015). Collection method: clinical testing. Allele origin: germline. Not counted in ClinVar's aggregate classification.
Comment: This sequence change replaces threonine, which is neutral and polar, with alanine, which is neutral and non-polar, at codon 246 of the RUNX1 protein (p.Thr246Ala). This variant is not present in population databases (gnomAD no frequency). This variant has not been reported in the literature in individuals affected with RUNX1-related conditions. ClinVar contains an entry for this variant (Variation ID: 896170). Advanced modeling of protein sequence and biophysical properties (such as structural, functional, and spatial information, amino acid conservation, physicochemical variation, residue mobility, and thermodynamic stability) performed at Invitae indicates that this missense variant is not expected to disrupt RUNX1 protein function with a negative predictive value of 80%. In summary, the available evidence is currently insufficient to determine the role of this variant in disease. Therefore, it has been classified as a Variant of Uncertain Significance.

Illumina Laboratory Services, Illumina
Classification: Uncertain significance for Hereditary thrombocytopenia and hematological cancer predisposition syndrome associated with RUNX1. Last evaluated: 2018-01-13. Review status: criteria provided, single submitter. Criteria: ICSL Variant Classification Criteria 13 December 2019. Collection method: clinical testing. Allele origin: germline. Not counted in ClinVar's aggregate classification.

NM_001754.5(RUNX1):c.736A>G (p.Thr246Ala)

Gene: RUNX1 (RUNX family transcription factor 1; minus strand). Cytogenetic location: 21q22.12.
Variant type: single nucleotide variant.
Coding change: c.736A>G on transcript NM_001754.5 (MANE Select); coding-DNA position 736, A replaced by G.
Protein change: p.Thr246Ala; replaces threonine 246 with alanine.
Molecular consequence: missense variant.
Genome position (GRCh38, 1-based): chr21:34,834,479, T>C on the plus strand (A>G on the coding strand, the complement: RUNX1 is on the minus strand). VCF-style: chr21-34834479-T-C. GRCh37 (hg19) VCF-style: chr21-36206776-T-C.
Other names: NM_001754.5(RUNX1):c.736A>G; p.Thr246Ala; c.655A>G, p.Thr219Ala (NM_001001890.3, NM_001122607.2); short protein forms T246A, T219A.
Identifiers: ClinVar variation 896170 (VCV000896170.17), dbSNP rs2057112296, ClinGen allele CA410206795.